The following is an entry in ClinVar:

NM_199420.4(POLQ):c.47G>A (p.Gly16Asp)

Genes: POLQ (DNA polymerase theta; minus strand), LOC112872292 (Sharpr-MPRA regulatory region 30; plus strand). Cytogenetic location: 3q13.33.
Variant type: single nucleotide variant.
Coding change: c.47G>A on transcript NM_199420.4 (MANE Select); coding-DNA position 47, G replaced by A.
Protein change: p.Gly16Asp; replaces glycine 16 with aspartic acid.
Molecular consequence: missense variant.
Genome position (GRCh38, 1-based): chr3:121,545,831, C>T on the plus strand (G>A on the coding strand, the complement: POLQ is on the minus strand). VCF-style: chr3-121545831-C-T. GRCh37 (hg19) VCF-style: chr3-121264678-C-T.
Other names: short protein forms G16D.
Identifiers: ClinVar variation 1743181 (VCV001743181.2), dbSNP rs1275018210, ClinGen allele CA354097664.
Genomic context (GRCh38, chr3:121,545,831, plus strand): 5'-CCGGAGAGGAACTGGGGGCTGGCACTGCTGTCACCGCCGCTTCCCGAGAACGAATCTGAG[C>T]CTGATTCTGAACGCCGCCGTTTCCCACTCCGACGCAGAAGATTCATGGCAAACTCTTCTC-3'
Protein context (NP_955452.3, residues 6-26): RSGKRRRSES[Gly16Asp]SDSFSGSGGD

ClinVar aggregate classification (germline): Uncertain significance (1 of 4 stars; one submission).

Allele frequency attached by ClinVar (database versions not stated): gnomAD exomes below 0.00001.
gnomAD v4.1: 2 of 1,613,972 alleles (0.00012%); highest among the groups gnomAD compares: Non-Finnish European, 0.00017%; no homozygotes.

Submission:

Ambry Genetics
Classification: Uncertain significance. Last evaluated: 2022-09-03. Review status: criteria provided, single submitter. Criteria: Ambry Variant Classification Scheme 2023. Collection method: clinical testing. Allele origin: germline.
Comment: The p.G16D variant (also known as c.47G>A), located in coding exon 1 of the POLQ gene, results from a G to A substitution at nucleotide position 47. The glycine at codon 16 is replaced by aspartic acid, an amino acid with similar properties. This amino acid position is conserved. In addition, this alteration is predicted to be tolerated by in silico analysis. Since supporting evidence is limited at this time, the clinical significance of this alteration remains unclear.